The following is an entry in ClinVar:

NM_020778.5(ALPK3):c.709G>T (p.Val237Phe)

Gene: ALPK3 (alpha kinase 3; plus strand). Cytogenetic location: 15q25.3.
Variant type: single nucleotide variant.
Coding change: c.709G>T on transcript NM_020778.5 (MANE Select); coding-DNA position 709, G replaced by T.
Protein change: p.Val237Phe; replaces valine 237 with phenylalanine.
Molecular consequence: missense variant.
Genome position (GRCh38, 1-based): chr15:84,839,988, G>T. VCF-style: chr15-84839988-G-T. GRCh37 (hg19) VCF-style: chr15-85383219-G-T.
Other names: c.1315G>T (NM_020778.4); short protein forms V237F.
Identifiers: ClinVar variation 2158276 (VCV002158276.9), dbSNP rs767299689, ClinGen allele CA7709055.

ClinVar aggregate classification (germline): Uncertain significance. Review status: criteria provided, multiple submitters, no conflicts (2 of 4 stars). 3 submissions from 3 submitters: Uncertain significance (3). Last evaluated 2025-11-20.

Conditions:
Cardiovascular phenotype. Identifiers: MedGen CN230736.

Allele frequency attached by ClinVar (database versions not stated): ExAC 0.00003; gnomAD 0.00003.

Submissions (3):

Labcorp Genetics (formerly Invitae), Labcorp
Classification: Uncertain significance. Last evaluated: 2025-11-20. Review status: criteria provided, single submitter. Criteria: Invitae Variant Classification Sherloc (09022015). Collection method: clinical testing. Allele origin: germline.
Comment: This sequence change replaces valine, which is neutral and non-polar, with phenylalanine, which is neutral and non-polar, at codon 439 of the ALPK3 protein (p.Val439Phe). This variant is present in population databases (rs767299689, gnomAD 0.04%). This variant has not been reported in the literature in individuals affected with ALPK3-related conditions. ClinVar contains an entry for this variant (Variation ID: 2158276). Invitae Evidence Modeling of protein sequence and biophysical properties (such as structural, functional, and spatial information, amino acid conservation, physicochemical variation, residue mobility, and thermodynamic stability) indicates that this missense variant is not expected to disrupt ALPK3 protein function with a negative predictive value of 80%. In summary, the available evidence is currently insufficient to determine the role of this variant in disease. Therefore, it has been classified as a Variant of Uncertain Significance.

GeneDx
Classification: Uncertain significance. Last evaluated: 2025-09-15. Review status: criteria provided, single submitter. Criteria: GeneDx Variant Classification Process June 2021. Collection method: clinical testing. Allele origin: germline.
Comment: Has not been previously published as pathogenic or benign to our knowledge; In silico analysis suggests that this missense variant does not alter protein structure/function

Ambry Genetics
Classification: Uncertain significance for Cardiovascular phenotype. Last evaluated: 2025-08-07. Review status: criteria provided, single submitter. Criteria: Ambry Variant Classification Scheme 2023. Collection method: clinical testing. Allele origin: germline.